The following is an entry in ClinVar:

ClinVar aggregate classification (germline): Uncertain significance (1 of 4 stars; one submission).

Submission:

CeGaT Center for Human Genetics Tuebingen
Classification: Uncertain significance. Last evaluated: 2023-04-01. Review status: criteria provided, single submitter. Criteria: CeGaT Center For Human Genetics Tuebingen Variant Classification Criteria Version 2. Collection method: clinical testing. Allele origin: germline. Affected: yes. Observed: 1 variant allele.
Comment: HGS: PM2, PP2, PP3

NM_004712.5(HGS):c.538C>T (p.His180Tyr)

Gene: HGS (hepatocyte growth factor-regulated tyrosine kinase substrate; plus strand). Cytogenetic location: 17q25.3.
Variant type: single nucleotide variant.
Coding change: c.538C>T on transcript NM_004712.5 (MANE Select); coding-DNA position 538, C replaced by T.
Protein change: p.His180Tyr; replaces histidine 180 with tyrosine.
Molecular consequence: missense variant.
Genome position (GRCh38, 1-based): chr17:81,691,447, C>T. VCF-style: chr17-81691447-C-T. GRCh37 (hg19) VCF-style: chr17-79658477-C-T.
Other names: short protein forms H180Y.
Identifiers: ClinVar variation 2648461 (VCV002648461.24), dbSNP rs2509845189, ClinGen allele CA401483939.